The following is an entry in ClinVar:

ClinVar aggregate classification (germline): Pathogenic. Review status: criteria provided, single submitter (1 of 4 stars). 2 submissions from 2 submitters: Pathogenic (1). 1 of the submissions does not count toward it. Last evaluated 2025-03-19.

Conditions:
RIN2 syndrome. Also called: TALL FOREHEAD, SPARSE HAIR, SKIN HYPEREXTENSIBILITY, AND SCOLIOSIS; MACS SYNDROME. Identifiers: Orphanet 217335, MedGen C2751321, MONDO:0013115, OMIM 613075.

Submissions (2):

Labcorp Genetics (formerly Invitae), Labcorp
Classification: Pathogenic. Last evaluated: 2025-03-19. Review status: criteria provided, single submitter. Criteria: Invitae Variant Classification Sherloc (09022015). Collection method: clinical testing. Allele origin: germline.
Comment: This sequence change creates a premature translational stop signal (p.Ile578Serfs*4) in the RIN2 gene. It is expected to result in an absent or disrupted protein product. Loss-of-function variants in RIN2 are known to be pathogenic (PMID: 19631308). The frequency data for this variant in the population databases is considered unreliable, as metrics indicate poor data quality at this position in the gnomAD database. This premature translational stop signal has been observed in individual(s) with macrocephaly, alopecia, cutis laxa, and scoliosis (PMID: 19631308). ClinVar contains an entry for this variant (Variation ID: 1296). For these reasons, this variant has been classified as Pathogenic.

OMIM
Classification: Pathogenic for MACS SYNDROME. Last evaluated: 2014-02-01. Review status: no assertion criteria provided. Collection method: literature only. Allele origin: germline. Not counted in ClinVar's aggregate classification.

Literature cited by the submitters: PubMed 19631308 (cited by Labcorp Genetics (formerly Invitae), Labcorp and OMIM); PubMed 24449201 (cited by OMIM); PubMed 20954239 (cited by OMIM).

NM_018993.4(RIN2):c.1731del (p.Ile578fs)

Gene: RIN2 (Ras and Rab interactor 2; plus strand). Cytogenetic location: 20p11.23.
Variant type: Deletion.
Coding change: c.1731del on transcript NM_018993.4 (MANE Select); coding-DNA position 1731, one base deleted (C; older notation c.1731delC).
Protein change: p.Ile578fs; shifts the reading frame from isoleucine 578.
Molecular consequence: frameshift variant.
Genome position (GRCh38, 1-based): chr20:19,975,756, C deleted; the last of 7 consecutive C bases (chr20:19,975,750-19,975,756); deleting any one gives the same sequence. VCF-style (leftmost placement, unchanged base first): chr20-19975749-AC-A. GRCh37 (hg19) VCF-style: chr20-19956393-AC-A.
Other names: c.1878del, p.Ile627fs (NM_001242581.2); c.1113del, p.Ile372fs (NM_001378238.1); short protein forms I578fs, I627fs, I372fs.
Identifiers: ClinVar variation 1296 (VCV000001296.2), dbSNP rs759390822, ClinGen allele CA358812.